The following is an entry in ClinVar:

ClinVar aggregate classification (germline): Likely pathogenic (1 of 4 stars; one submission).

Conditions:
Holocarboxylase synthetase deficiency. Also called: MULTIPLE CARBOXYLASE DEFICIENCY, EARLY ONSET. Identifiers: Orphanet 79242, MedGen C0268581, MONDO:0009666, OMIM 253270.

Submission:

Myriad Genetics, Inc.
Classification: Likely pathogenic for Holocarboxylase synthetase deficiency. Last evaluated: 2022-05-17. Review status: criteria provided, single submitter. Criteria: Myriad Women's Health Autosomal Recessive and X-Linked Classification Criteria (2021). Collection method: clinical testing. Allele origin: unknown.
Comment: NM_000411.6(HLCS):c.1417_1427del11(E473Hfs*100) is expected to be pathogenic in the context of holocarboxylase synthetase deficiency. This variant is predicted to lead to an abnormal or absent protein product due to the creation of a premature termination codon in HLCS, a gene where loss-of-function variants are known to be pathogenic. Please note: this variant was assessed in the context of healthy population screening.

NM_001352514.2(HLCS):c.1858_1868del (p.Glu620fs)

Gene: HLCS (holocarboxylase synthetase; minus strand). Cytogenetic location: 21q22.13.
Variant type: Deletion.
Coding change: c.1858_1868del on transcript NM_001352514.2 (MANE Select); coding-DNA positions 1858 to 1868, 11 bases deleted (GAAGTGACCCC).
Protein change: p.Glu620fs; shifts the reading frame from glutamic acid 620.
Molecular consequence: frameshift variant. On other transcripts: non-coding transcript variant (2).
Genome position (GRCh38, 1-based): chr21:36,896,884-36,896,894, GGGGTCACTTC deleted on the plus strand (GAAGTGACCCC on the coding strand, the reverse complement: HLCS is on the minus strand); deleting any 11 consecutive bases within chr21:36,896,884-36,896,896 gives the same sequence; the c. name uses the placement nearest the transcript's 3' end. VCF-style (leftmost placement, unchanged base first): chr21-36896883-GGGGGTCACTTC-G. GRCh37 (hg19) VCF-style: chr21-38269183-GGGGGTCACTTC-G.
Other names: c.1417_1427del, p.Glu473fs (NM_000411.8, NM_001242784.3, NM_001242785.2 and 4 more transcripts); short protein forms E473fs, E620fs.
Identifiers: ClinVar variation 1726068 (VCV001726068.2), dbSNP rs2517422365, ClinGen allele CA2580098657.